The following is an entry in ClinVar:

NM_014000.3(VCL):c.1236G>T (p.Leu412Phe)

Gene: VCL (vinculin; plus strand). Cytogenetic location: 10q22.2.
Variant type: single nucleotide variant.
Coding change: c.1236G>T on transcript NM_014000.3 (MANE Select); coding-DNA position 1236, G replaced by T.
Protein change: p.Leu412Phe; replaces leucine 412 with phenylalanine.
Molecular consequence: missense variant.
Genome position (GRCh38, 1-based): chr10:74,090,082, G>T. VCF-style: chr10-74090082-G-T. GRCh37 (hg19) VCF-style: chr10-75849840-G-T.
Other names: c.1236G>T, p.Leu412Phe (NM_003373.4); short protein forms L412F.
Identifiers: ClinVar variation 1505087 (VCV001505087.6), dbSNP rs757353180, ClinGen allele CA377273187.

ClinVar aggregate classification (germline): Uncertain significance (1 of 4 stars; one submission).

Conditions:
Dilated cardiomyopathy 1W (CMD1W). Identifiers: Orphanet 154, MedGen C1969639, MONDO:0012667, OMIM 611407.

Submission:

Labcorp Genetics (formerly Invitae), Labcorp
Classification: Uncertain significance for Dilated cardiomyopathy 1W. Last evaluated: 2024-12-02. Review status: criteria provided, single submitter. Criteria: Invitae Variant Classification Sherloc (09022015). Collection method: clinical testing. Allele origin: germline.
Comment: This sequence change replaces leucine, which is neutral and non-polar, with phenylalanine, which is neutral and non-polar, at codon 412 of the VCL protein (p.Leu412Phe). This variant is not present in population databases (gnomAD no frequency). This variant has not been reported in the literature in individuals affected with VCL-related conditions. ClinVar contains an entry for this variant (Variation ID: 1505087). An algorithm developed to predict the effect of missense changes on protein structure and function (PolyPhen-2) suggests that this variant is likely to be tolerated. In summary, the available evidence is currently insufficient to determine the role of this variant in disease. Therefore, it has been classified as a Variant of Uncertain Significance.